The following is an entry in ClinVar:

ClinVar aggregate classification (germline): Pathogenic (1 of 4 stars; one submission).

Conditions:
Frasier syndrome. Identifiers: Orphanet 347, MedGen C0950122, MeSH D052159, MONDO:0007635, OMIM 136680.
Wilms tumor 1 (WT1). Also called: Wilms tumor, somatic. Identifiers: Orphanet 654, MedGen CN033288, MONDO:0008679, OMIM 194070.
11p partial monosomy syndrome (WAGR). Also called: WAGR Complex; WAGR syndrome; CHROMOSOME 11p13 DELETION SYNDROME; WAGR Spectrum Disorder. Identifiers: Orphanet 893, MedGen C0206115, MONDO:0008681, OMIM 194072.
Drash syndrome (DDS). Also called: NEPHROPATHY, WILMS TUMOR, AND GENITAL ANOMALIES; WILMS TUMOR AND PSEUDO- OR TRUE HERMAPHRODITISM. Identifiers: Orphanet 220, MedGen C0950121, MONDO:0008682, OMIM 194080.

Submission:

Labcorp Genetics (formerly Invitae), Labcorp
Classification: Pathogenic for Wilms tumor 1; Drash syndrome; 11p partial monosomy syndrome; Frasier syndrome. Last evaluated: 2022-07-11. Review status: criteria provided, single submitter. Criteria: Invitae Variant Classification Sherloc (09022015). Collection method: clinical testing. Allele origin: germline.
Comment: A gross deletion of the genomic region encompassing the full coding sequence of the WT1 gene has been identified. Loss-of-function variants in WT1 are known to be pathogenic (PMID: 15150775). The boundaries of this event are unknown as they extend beyond the assayed region for this gene and therefore may encompass additional genes. A similar copy number variant has been observed in individual(s) with WAGR syndrome and Wilms tumor and developmental structural anomalies of the genitourinary tract (PMID: 15150775, 17630404, 24138039). For these reasons, this variant has been classified as Pathogenic.

Literature cited by the submitters: PubMed 15150775; PubMed 17630404; PubMed 24138039.

NC_000011.9:g.(?_32410604)_(32460464_?)del

Genes: WT1 (WT1 transcription factor; minus strand), WT1-AS (WT1 antisense RNA; plus strand). Cytogenetic location: 11p13.
Variant type: Deletion.
Identifiers: ClinVar variation 2426824 (VCV002426824.6).